The following is an entry in ClinVar:

ClinVar aggregate classification (germline): Uncertain significance. Review status: criteria provided, multiple submitters, no conflicts (2 of 4 stars). 2 submissions from 2 submitters: Uncertain significance (2). Last evaluated 2025-05-27.

Conditions:
Autosomal recessive spinocerebellar ataxia 12. Also called: SPINOCEREBELLAR ATAXIA WITH MENTAL RETARDATION AND EPILEPSY. Identifiers: Orphanet 284282, MedGen C3280452, MONDO:0013687, OMIM 614322.
Developmental and epileptic encephalopathy, 1 (DEE1). Also called: X-linked infantile spasms; West's syndrome; Tonic spasms with clustering, arrest of psychomotor development and hypsarrhythmia on EEG; X-Linked Infantile Spasm Syndrome; OHTAHARA SYNDROME, X-LINKED; Epileptic encephalopathy, early infantile, 1. Identifiers: MedGen C3463992, MONDO:0010632, OMIM 308350. Disease mechanism: loss of function.

Allele frequency attached by ClinVar (database versions not stated): gnomAD exomes below 0.00001; TOPMed 0.00002; gnomAD 0.00001.
gnomAD v4.1: 1 of 1,581,794 alleles (0.000063%); highest among the groups gnomAD compares: Admixed American, 0.0018%; no homozygotes.

Submissions (2):

Labcorp Genetics (formerly Invitae), Labcorp
Classification: Uncertain significance for Developmental and epileptic encephalopathy, 1; Autosomal recessive spinocerebellar ataxia 12. Last evaluated: 2025-05-27. Review status: criteria provided, single submitter. Criteria: Invitae Variant Classification Sherloc (09022015). Collection method: clinical testing. Allele origin: germline.
Comment: This sequence change replaces glutamic acid, which is acidic and polar, with aspartic acid, which is acidic and polar, at codon 17 of the WWOX protein (p.Glu17Asp). The frequency data for this variant in the population databases is considered unreliable, as metrics indicate poor data quality at this position in the gnomAD database. This variant has not been reported in the literature in individuals affected with WWOX-related conditions. ClinVar contains an entry for this variant (Variation ID: 473026). An algorithm developed to predict the effect of missense changes on protein structure and function (PolyPhen-2) suggests that this variant is likely to be disruptive. In summary, the available evidence is currently insufficient to determine the role of this variant in disease. Therefore, it has been classified as a Variant of Uncertain Significance.

GeneDx
Classification: Uncertain significance. Last evaluated: 2023-04-04. Review status: criteria provided, single submitter. Criteria: GeneDx Variant Classification Process June 2021. Collection method: clinical testing. Allele origin: germline.
Comment: Not observed at significant frequency in large population cohorts (gnomAD); In silico analysis supports that this missense variant has a deleterious effect on protein structure/function; Has not been previously published as pathogenic or benign to our knowledge

NM_016373.4(WWOX):c.51G>T (p.Glu17Asp)

Gene: WWOX (WW domain containing oxidoreductase; plus strand). Cytogenetic location: 16q23.1.
Variant type: single nucleotide variant.
Coding change: c.51G>T on transcript NM_016373.4 (MANE Select); coding-DNA position 51, G replaced by T.
Protein change: p.Glu17Asp; replaces glutamic acid 17 with aspartic acid.
Molecular consequence: missense variant. On other transcripts: 5 prime UTR variant (1), non-coding transcript variant (2).
Genome position (GRCh38, 1-based): chr16:78,099,829, G>T. VCF-style: chr16-78099829-G-T. GRCh37 (hg19) VCF-style: chr16-78133726-G-T.
Other names: c.51G>T (NM_016373.2); c.-224G>T (NM_001291997.2); c.51G>T, p.Glu17Asp (NM_130791.5); short protein forms E17D.
Identifiers: ClinVar variation 473026 (VCV000473026.10), dbSNP rs991773402, ClinGen allele CA284502472.
Genomic context (GRCh38, chr16:78,099,829, plus strand): 5'-ACAGTCAGCCATGGCAGCGCTGCGCTACGCGGGGCTGGACGACACGGACAGTGAGGACGA[G>T]CTGCCTCCGGGCTGGGAGGAGAGAACCACCAAGGACGGCTGGGTTTACTACGCCAAGTAA-3'
Protein context (NP_057457.1, residues 7-27): AGLDDTDSED[Glu17Asp]LPPGWEERTT